The following is an entry in ClinVar:

NM_000179.3(MSH6):c.2546_2547del (p.Thr849fs)

Gene: MSH6 (mutS homolog 6; plus strand). Cytogenetic location: 2p16.3.
Variant type: Deletion.
Coding change: c.2546_2547del on transcript NM_000179.3 (MANE Select); coding-DNA positions 2546 to 2547, 2 bases deleted (CA; older notation c.2546_2547delCA).
Protein change: p.Thr849fs; shifts the reading frame from threonine 849.
Molecular consequence: frameshift variant. On other transcripts: non-coding transcript variant (5), intron variant (3).
Genome position (GRCh38, 1-based): chr2:47,800,529-47,800,530, CA deleted; deleting any 2 consecutive bases within chr2:47,800,528-47,800,530 gives the same sequence; the c. name uses the placement nearest the transcript's 3' end. VCF-style (leftmost placement, unchanged base first): chr2-47800527-TAC-T. GRCh37 (hg19) VCF-style: chr2-48027666-TAC-T.
Other names: c.2156_2157del, p.Thr719fs (NM_001281492.2); c.1640_1641del, p.Thr547fs (NM_001281493.2, NM_001281494.2, NM_001406811.1 and 6 more transcripts); c.2642_2643del, p.Thr881fs (NM_001406795.1, NM_001406802.1); c.2546_2547del, p.Thr849fs (NM_001406796.1, NM_001406798.1, NM_001406800.1 and 2 more transcripts); c.2249_2250del, p.Thr750fs (NM_001406797.1, NM_001406801.1, NM_001406805.1 and 10 more transcripts); c.2021_2022del, p.Thr674fs (NM_001406799.1, NM_001406806.1, NM_001406807.1); c.2468_2469del, p.Thr823fs (NM_001406804.1); c.2552_2553del, p.Thr851fs (NM_001406813.1); and 4 more; short protein forms T719fs, T881fs, T793fs, T674fs, T823fs, T851fs, T547fs, T750fs.
Identifiers: ClinVar variation 3398947 (VCV003398947.1).

ClinVar aggregate classification (germline): Pathogenic (1 of 4 stars; one submission).

Conditions:
Hereditary cancer-predisposing syndrome. Also called: Hereditary Cancer Syndrome; Tumor predisposition; Hereditary neoplastic syndrome; Neoplastic Syndromes, Hereditary. Identifiers: Orphanet 140162, MedGen C0027672, MeSH D009386, MONDO:0015356.

Submission:

Ambry Genetics
Classification: Pathogenic for Hereditary cancer-predisposing syndrome. Last evaluated: 2024-11-08. Review status: criteria provided, single submitter. Criteria: Ambry Variant Classification Scheme 2023. Collection method: clinical testing. Allele origin: germline.
Comment: The c.2546_2547delCA pathogenic mutation, located in coding exon 4 of the MSH6 gene, results from a deletion of two nucleotides at nucleotide positions 2546 to 2547, causing a translational frameshift with a predicted alternate stop codon (p.T849Ifs*8). This variant is considered to be rare based on population cohorts in the Genome Aggregation Database (gnomAD). This alteration is expected to result in loss of function by premature protein truncation or nonsense-mediated mRNA decay. As such, this alteration is interpreted as a disease-causing mutation.